The following is an entry in ClinVar:

ClinVar aggregate classification (germline): Likely benign (1 of 4 stars; one submission).

Allele frequency attached by ClinVar (database versions not stated): ExAC 0.00001; gnomAD exomes 0.00001; TOPMed 0.00001; gnomAD 0.00002.
gnomAD v4.1: 13 of 1,584,530 alleles (0.00082%); highest among the groups gnomAD compares: African/African-American, 0.0013%; no homozygotes.

Submission:

CeGaT Center for Human Genetics Tuebingen
Classification: Likely benign. Last evaluated: 2023-10-01. Review status: criteria provided, single submitter. Criteria: CeGaT Center For Human Genetics Tuebingen Variant Classification Criteria Version 2. Collection method: clinical testing. Allele origin: germline. Affected: yes. Observed: 1 variant allele.
Comment: KIAA0586: BP4

NM_001329943.3(KIAA0586):c.2530C>T (p.Pro844Ser)

Gene: KIAA0586 (KIAA0586; plus strand). Cytogenetic location: 14q23.1.
Variant type: single nucleotide variant.
Coding change: c.2530C>T on transcript NM_001329943.3 (MANE Select); coding-DNA position 2530, C replaced by T.
Protein change: p.Pro844Ser; replaces proline 844 with serine.
Molecular consequence: missense variant.
Genome position (GRCh38, 1-based): chr14:58,470,700, C>T. VCF-style: chr14-58470700-C-T. GRCh37 (hg19) VCF-style: chr14-58937418-C-T.
Other names: c.2689C>T, p.Pro897Ser (NM_001244189.2); c.2485C>T, p.Pro829Ser (NM_001244190.2); c.2275C>T, p.Pro759Ser (NM_001244191.2, NM_001329945.2, NM_001364700.1 and 1 more transcripts); c.2398C>T, p.Pro800Ser (NM_001244192.2); c.2110C>T, p.Pro704Ser (NM_001244193.2); c.2530C>T, p.Pro844Ser (NM_001329944.2, NM_001329946.2, NM_001329947.2); c.2302C>T, p.Pro768Ser (NM_014749.5); short protein forms P704S, P759S, P768S, P800S, P829S, P844S, P897S.
Identifiers: ClinVar variation 2644259 (VCV002644259.24), dbSNP rs779336272, ClinGen allele CA7205901.